The following is an entry in ClinVar:

NM_001330078.2(NRXN1):c.328A>G (p.Asn110Asp)

Gene: NRXN1 (neurexin 1; minus strand). Cytogenetic location: 2p16.3.
Variant type: single nucleotide variant.
Coding change: c.328A>G on transcript NM_001330078.2 (MANE Select); coding-DNA position 328, A replaced by G.
Protein change: p.Asn110Asp; replaces asparagine 110 with aspartic acid.
Molecular consequence: missense variant.
Genome position (GRCh38, 1-based): chr2:51,027,946, T>C on the plus strand (A>G on the coding strand, the complement: NRXN1 is on the minus strand). VCF-style: chr2-51027946-T-C. GRCh37 (hg19) VCF-style: chr2-51255084-T-C.
Other names: c.328A>G, p.Asn110Asp (NM_001135659.3, NM_001330077.2, NM_001330079.2 and 15 more transcripts); short protein forms N110D.
Identifiers: ClinVar variation 1315914 (VCV001315914.2), dbSNP rs2105331686, ClinGen allele CA346824235.

ClinVar aggregate classification (germline): Uncertain significance (1 of 4 stars; one submission).

gnomAD v4.1: 1 of 1,603,864 alleles (0.000062%); no homozygotes.

Submission:

GeneDx
Classification: Uncertain significance. Last evaluated: 2020-02-06. Review status: criteria provided, single submitter. Criteria: GeneDx Variant Classification Process June 2021. Collection method: clinical testing. Allele origin: germline. Affected: yes.
Comment: Not observed in large population cohorts (Lek et al., 2016); In silico analysis supports that this missense variant has a deleterious effect on protein structure/function; Has not been previously published as pathogenic or benign to our knowledge